The following is an entry in ClinVar:

ClinVar aggregate classification (germline): Pathogenic (1 of 4 stars; one submission).

Conditions:
Muscular dystrophy-dystroglycanopathy (congenital with brain and eye anomalies), type a, 11 (MDDGA11). Also called: Muscular dystrophy-dystroglycanopathy (congenital with brain and eye anomalies, type A, 11; WALKER-WARBURG SYNDROME OR MUSCLE-EYE-BRAIN DISEASE, B3GALNT2-RELATED; Congenital muscular dystrophy-dystroglycanopathy with brain and eye anomalies, type A11. Identifiers: Orphanet 588, Orphanet 899, MedGen C3554638, MONDO:0014071, OMIM 615181.

Submission:

Labcorp Genetics (formerly Invitae), Labcorp
Classification: Pathogenic for Muscular dystrophy-dystroglycanopathy (congenital with brain and eye anomalies), type a, 11. Last evaluated: 2025-09-03. Review status: criteria provided, single submitter. Criteria: Invitae Variant Classification Sherloc (09022015). Collection method: clinical testing. Allele origin: germline.
Comment: This sequence change creates a premature translational stop signal (p.Trp460Alafs*3) in the B3GALNT2 gene. While this is not anticipated to result in nonsense mediated decay, it is expected to disrupt the last 41 amino acid(s) of the B3GALNT2 protein. This variant is not present in population databases (gnomAD no frequency). This variant has not been reported in the literature in individuals affected with B3GALNT2-related conditions. This variant disrupts a region of the B3GALNT2 protein in which other variant(s) (p.Pro474del) have been determined to be pathogenic (PMID: 26663670, 33290285). This suggests that this is a clinically significant region of the protein, and that variants that disrupt it are likely to be disease-causing. For these reasons, this variant has been classified as Pathogenic.

Literature cited by the submitters: PubMed 26663670; PubMed 33290285.

NM_152490.5(B3GALNT2):c.1378_1379del (p.Trp460fs)

Genes: B3GALNT2 (beta-1,3-N-acetylgalactosaminyltransferase 2; minus strand), TBCE (tubulin folding cofactor E; plus strand). Cytogenetic location: 1q42.3.
Variant type: Microsatellite.
Coding change: c.1378_1379del on transcript NM_152490.5 (MANE Select); coding-DNA positions 1378 to 1379, 2 bases deleted (TG; older notation c.1378_1379delTG).
Protein change: p.Trp460fs; shifts the reading frame from tryptophan 460.
Molecular consequence: frameshift variant. On other transcripts: 3 prime UTR variant (4).
Genome position (GRCh38, 1-based): chr1:235,450,330-235,450,331, CA deleted on the plus strand (TG on the coding strand, the reverse complement: B3GALNT2 is on the minus strand); deleting any 2 consecutive bases within chr1:235,450,330-235,450,333 gives the same sequence; the c. name uses the placement nearest the transcript's 3' end. VCF-style (leftmost placement, unchanged base first): chr1-235450329-CCA-C. GRCh37 (hg19) VCF-style: chr1-235613644-CCA-C.
Other names: c.*1568CA[1] (NM_001079515.3, NM_001287801.2, NM_001287802.2 and 1 more transcripts); short protein forms W460fs.
Identifiers: ClinVar variation 4773831 (VCV004773831.1).
Genomic context (GRCh38, chr1:235,450,329, plus strand): 5'-TTCCCACGGAGAATACTGAGGAGAAGACAGCATTCCTGTCTCACAGGTCTTCTCACACAG[CCA>C]CAGACTGTCCTGTTGAGAAACAACCAAAGCCGATCTGAGAGTGGTGAAACTGTTTTAAGA-3'